The following is an entry in ClinVar:

NM_000179.3(MSH6):c.2052A>G (p.Leu684=)

Gene: MSH6 (mutS homolog 6; plus strand). Cytogenetic location: 2p16.3.
Variant type: single nucleotide variant.
Coding change: c.2052A>G on transcript NM_000179.3 (MANE Select); coding-DNA position 2052, A replaced by G.
Protein change: p.Leu684=; no amino-acid change (leucine 684 retained).
Molecular consequence: synonymous variant.
Genome position (GRCh38, 1-based): chr2:47,800,035, A>G. VCF-style: chr2-47800035-A-G. GRCh37 (hg19) VCF-style: chr2-48027174-A-G.
Other names: c.1662A>G, p.Leu554= (NM_001281492.2); c.1146A>G, p.Leu382= (NM_001281493.2, NM_001281494.2).
Identifiers: ClinVar variation 479963 (VCV000479963.16), dbSNP rs772874585, ClinGen allele CA068424.

ClinVar aggregate classification (germline): Benign/Likely benign. Review status: criteria provided, multiple submitters, no conflicts (2 of 4 stars). 4 submissions from 4 submitters: Benign (1); Likely benign (3). Last evaluated 2025-02-27.

Conditions:
Hereditary nonpolyposis colorectal neoplasms. Identifiers: MedGen C0009405, MeSH D003123.
Hereditary cancer-predisposing syndrome. Also called: Tumor predisposition; Hereditary Cancer Syndrome; Neoplastic Syndromes, Hereditary; Hereditary neoplastic syndrome. Identifiers: Orphanet 140162, MedGen C0027672, MeSH D009386, MONDO:0015356.
Lynch syndrome 5 (LYNCH5). Also called: Colorectal cancer, hereditary nonpolyposis, type 5; Hereditary non-polyposis colorectal cancer, type 5. Identifiers: Orphanet 144, MedGen C1833477, MONDO:0013710, OMIM 614350. Disease mechanism: loss of function.

Allele frequency attached by ClinVar (database versions not stated): gnomAD exomes below 0.00001; ExAC 0.00001.
gnomAD v4.1: 5 of 1,614,148 alleles (0.00031%); highest among the groups gnomAD compares: East Asian, 0.0022%; no homozygotes.

Submissions (4):

Labcorp Genetics (formerly Invitae), Labcorp
Classification: Likely benign for Hereditary nonpolyposis colorectal neoplasms. Last evaluated: 2025-02-27. Review status: criteria provided, single submitter. Criteria: Invitae Variant Classification Sherloc (09022015). Collection method: clinical testing. Allele origin: germline.

Myriad Genetics, Inc.
Classification: Benign for Lynch syndrome 5. Last evaluated: 2024-12-30. Review status: criteria provided, single submitter. Criteria: Myriad Autosomal Dominant, Autosomal Recessive and X-Linked Classification Criteria (2023). Collection method: clinical testing. Allele origin: unknown.
Comment: This variant is considered benign. This variant is a silent/synonymous amino acid change and it is not expected to impact splicing.

Blueprint Genetics
Classification: Likely benign. Last evaluated: 2023-09-22. Review status: criteria provided, single submitter. Criteria: ACMG Guidelines, 2015. Collection method: clinical testing. Allele origin: germline.

Ambry Genetics
Classification: Likely benign for Hereditary cancer-predisposing syndrome. Last evaluated: 2017-04-25. Review status: criteria provided, single submitter. Criteria: Ambry Variant Classification Scheme 2023. Collection method: clinical testing. Allele origin: germline.